The following is an entry in ClinVar:

NM_001723.7(DST):c.7580T>C (p.Ile2527Thr)

Gene: DST (dystonin; minus strand). Cytogenetic location: 6p12.1.
Variant type: single nucleotide variant.
Coding change: c.7580T>C on transcript NM_001723.7 (MANE Plus Clinical); coding-DNA position 7580, T replaced by C.
Protein change: p.Ile2527Thr; replaces isoleucine 2527 with threonine.
Molecular consequence: missense variant. On other transcripts: intron variant (10).
Genome position (GRCh38, 1-based): chr6:56,615,887, A>G on the plus strand (T>C on the coding strand, the complement: DST is on the minus strand). VCF-style: chr6-56615887-A-G. GRCh37 (hg19) VCF-style: chr6-56480685-A-G.
Other names: c.4831-1403T>C (NM_001144769.5); c.4930-1403T>C (NM_001374722.1, NM_001374736.1); c.4957-1403T>C (NM_001374734.1); c.4417-1403T>C (NM_001144770.2); c.4297-1403T>C (NM_001374730.1, NM_001386100.1, NM_183380.4 and 1 more transcripts); c.3319-1403T>C (NM_015548.5); short protein forms I2527T.
Identifiers: ClinVar variation 357545 (VCV000357545.11), dbSNP rs754471163, ClinGen allele CA3869931.
Genomic context (GRCh38, chr6:56,615,887, plus strand): 5'-ATAATATTTGCATTCACAGCTTCCACCACTGACATCATTTTGTTAGTGATGGGATGGCCA[A>G]TCCCTGTGATTACTAATTCACACTGTCGCAGCTGCTGGGCAAACCCCTCATCAACCAGGC-3'
Protein context (NP_001714.1, residues 2517-2537): LRQCELVITG[Ile2527Thr]GHPITNKMMS

ClinVar aggregate classification (germline): Uncertain significance (1 of 4 stars; one submission).

Conditions:
Epidermolysis bullosa simplex 3, localized or generalized intermediate, with BP230 deficiency (EBS3). Also called: Epidermolysis bullosa simplex, autosomal recessive 2; Epidermolysis bullosa simplex due to BP230 deficiency. Identifiers: Orphanet 412181, MedGen C3809470, MONDO:0014180, OMIM 615425.
Hereditary sensory and autonomic neuropathy type 6. Also called: HSAN VI; Neuropathy, hereditary sensory and autonomic, type VI. Identifiers: Orphanet 314381, MedGen C3539003, MONDO:0013839, OMIM 614653.

Allele frequency attached by ClinVar (database versions not stated): gnomAD 0.00003; TOPMed 0.00003; gnomAD exomes 0.00004; ExAC 0.00005.
gnomAD v4.1: 64 of 1,614,034 alleles (0.004%); highest among the groups gnomAD compares: Non-Finnish European, 0.005%; no homozygotes.

Submission:

Labcorp Genetics (formerly Invitae), Labcorp
Classification: Uncertain significance for Epidermolysis bullosa simplex 3, localized or generalized intermediate, with BP230 deficiency; Hereditary sensory and autonomic neuropathy type 6. Last evaluated: 2022-10-12. Review status: criteria provided, single submitter. Criteria: Invitae Variant Classification Sherloc (09022015). Collection method: clinical testing. Allele origin: germline.
Comment: This sequence change replaces isoleucine, which is neutral and non-polar, with threonine, which is neutral and polar, at codon 2527 of the DST protein (p.Ile2527Thr). This variant is present in population databases (rs754471163, gnomAD 0.006%). This variant has not been reported in the literature in individuals affected with DST-related conditions. ClinVar contains an entry for this variant (Variation ID: 357545). Algorithms developed to predict the effect of missense changes on protein structure and function are either unavailable or do not agree on the potential impact of this missense change (SIFT: "Deleterious"; PolyPhen-2: "Benign"; Align-GVGD: "Class C0"). In summary, the available evidence is currently insufficient to determine the role of this variant in disease. Therefore, it has been classified as a Variant of Uncertain Significance.